The following is an entry in ClinVar:

NM_006415.4(SPTLC1):c.*1009G>T

Gene: SPTLC1 (serine palmitoyltransferase long chain base subunit 1; minus strand). Cytogenetic location: 9q22.31.
Variant type: single nucleotide variant.
Coding change: c.*1009G>T on transcript NM_006415.4 (MANE Select); 1009 bases downstream of the stop codon, G replaced by T.
Molecular consequence: 3 prime UTR variant.
Genome position (GRCh38, 1-based): chr9:92,031,456, C>A on the plus strand (G>T on the coding strand, the complement: SPTLC1 is on the minus strand). VCF-style: chr9-92031456-C-A. GRCh37 (hg19) VCF-style: chr9-94793738-C-A.
Other names: c.*857G>T (NM_001281303.2); c.*1009G>T (NM_001368272.1, NM_001368273.1).
Identifiers: ClinVar variation 367531 (VCV000367531.5), dbSNP rs559735773, ClinGen allele CA10630559.
Genomic context (GRCh38, chr9:92,031,456, plus strand): 5'-ATGGCATAATATTTATATGCTATATTGTGGCACGTATAACAAACCTTTACACCACATAAC[C>A]TGGTTTGCTAAAGAAAAAACAGGTAAAGTACTGCTTAAAAATGGTATTTTTAGTGCTTTC-3'

ClinVar aggregate classification (germline): Benign (1 of 4 stars; one submission).

Conditions:
Neuropathy, hereditary sensory and autonomic, type 1A (HSAN1A). Also called: NEUROPATHY, HEREDITARY SENSORY AND AUTONOMIC, TYPE IA; HSAN IA; HSN IA; NEUROPATHY, HEREDITARY SENSORY RADICULAR, AUTOSOMAL DOMINANT, TYPE 1A; SPTLC1-Related Hereditary Sensory Neuropathy. Identifiers: MedGen C5235211, MONDO:0008086, OMIM 162400.

Allele frequency attached by ClinVar (database versions not stated): 1000 Genomes Project 30x 0.00078; 1000 Genomes Project 0.00080; gnomAD 0.00089 and 0.00094; TOPMed 0.00145.

Submission:

Illumina Laboratory Services, Illumina
Classification: Benign for Neuropathy, hereditary sensory and autonomic, type 1A. Last evaluated: 2018-01-12. Review status: criteria provided, single submitter. Criteria: ICSL Variant Classification Criteria 13 December 2019. Collection method: clinical testing. Allele origin: germline.
Comment: This variant was observed in the ICSL laboratory as part of a predisposition screen in an ostensibly healthy population. It had not been previously curated by ICSL or reported in the Human Gene Mutation Database (HGMD: prior to June 1st, 2018), and was therefore a candidate for classification through an automated scoring system. Utilizing variant allele frequency, disease prevalence and penetrance estimates, and inheritance mode, an automated score was calculated to assess if this variant is too frequent to cause the disease. Based on the score and internal cut-off values, a variant classified as benign is not then subjected to further curation. The score for this variant resulted in a classification of benign for this disease.